The following is an entry in ClinVar:

NC_000023.10:g.(?_77041448)_(77041487_?)dup

Gene: ATRX (ATRX chromatin remodeler; minus strand). Cytogenetic location: Xq21.1.
Variant type: Duplication.
Identifiers: ClinVar variation 2423150 (VCV002423150.5).

ClinVar aggregate classification (germline): Uncertain significance (1 of 4 stars; one submission).

Conditions:
Alpha thalassemia-X-linked intellectual disability syndrome (ATRX). Also called: ALPHA-THALASSEMIA/MENTAL RETARDATION SYNDROME, X-LINKED; ATR, NONDELETION TYPE; ATR-X syndrome; Alpha thalassemia mental retardation syndrome, nondeletion type, X-linked; XLMR hypotonic face syndrome; X-linked alpha-thalassemia-mental retardation syndrome. Identifiers: Orphanet 847, MedGen C1845055, MONDO:0010519, OMIM 301040.

Submission:

Labcorp Genetics (formerly Invitae), Labcorp
Classification: Uncertain significance for Alpha thalassemia-X-linked intellectual disability syndrome. Last evaluated: 2022-10-14. Review status: criteria provided, single submitter. Criteria: Invitae Variant Classification Sherloc (09022015). Collection method: clinical testing. Allele origin: germline.
Comment: This variant results in a copy number gain of the genomic region encompassing exon(s) 1 of the ATRX gene. This region includes the initiator codon of the gene. This copy number gain extends beyond the assayed region for this gene and therefore may encompass additional genes. As the precise location of this event is unknown, it may be in tandem or it may be located elsewhere in the genome. This variant has not been reported in the literature in individuals affected with ATRX-related conditions. In summary, the available evidence is currently insufficient to determine the role of this variant in disease. Therefore, it has been classified as a Variant of Uncertain Significance.